The following is an entry in ClinVar:

ClinVar aggregate classification (germline): Uncertain significance (1 of 4 stars; one submission).

Conditions:
Gnathodiaphyseal dysplasia (GDD). Also called: OSTEOGENESIS IMPERFECTA WITH UNUSUAL SKELETAL LESIONS; GNATHODIAPHYSEAL SCLEROSIS. Identifiers: Orphanet 53697, MedGen C1833736, MONDO:0008151, OMIM 166260.
Autosomal recessive limb-girdle muscular dystrophy type 2L (LGMDR12). Also called: Limb-Girdle Muscular Dystrophy R12 Anoctamin-5-Related (LGMD-R12); MUSCULAR DYSTROPHY, LIMB-GIRDLE, AUTOSOMAL RECESSIVE 12; Limb-girdle muscular dystrophy, type 2L. Identifiers: Orphanet 206549, MedGen C1969785, MONDO:0012652, OMIM 611307.
Miyoshi muscular dystrophy 3 (MMD3). Also called: Miyoshi Muscular Dystrophy 3 (MMD3); Miyoshi myopathy 3. Identifiers: Orphanet 399096, MedGen C2750076, MONDO:0013222, OMIM 613319.

Submission:

Juno Genomics, Hangzhou Juno Genomics, Inc
Classification: Uncertain significance for Gnathodiaphyseal dysplasia; Miyoshi muscular dystrophy 3; Autosomal recessive limb-girdle muscular dystrophy type 2L. Review status: criteria provided, single submitter. Criteria: ACMG Guidelines, 2015. Collection method: clinical testing. Allele origin: germline.
Comment: Absent from controls (or at extremely low frequency if recessive) in Genome Aggregation Database.;Multiple lines of computational evidence support a deleterious effect on the gene or gene product.

NM_213599.3(ANO5):c.1205A>G (p.Lys402Arg)

Gene: ANO5 (anoctamin 5; plus strand). Cytogenetic location: 11p14.3.
Variant type: single nucleotide variant.
Coding change: c.1205A>G on transcript NM_213599.3 (MANE Select); coding-DNA position 1205, A replaced by G.
Protein change: p.Lys402Arg; replaces lysine 402 with arginine.
Molecular consequence: missense variant.
Genome position (GRCh38, 1-based): chr11:22,255,395, A>G. VCF-style: chr11-22255395-A-G. GRCh37 (hg19) VCF-style: chr11-22276941-A-G.
Other names: c.1202A>G, p.Lys401Arg (NM_001142649.2); c.1163A>G, p.Lys388Arg (NM_001410963.1, NM_001441300.1); c.1160A>G, p.Lys387Arg (NM_001410964.1, NM_001441301.1); c.1127A>G, p.Lys376Arg (NM_001441294.1); c.1124A>G, p.Lys375Arg (NM_001441295.1); c.1112A>G, p.Lys371Arg (NM_001441296.1, NM_001441302.1); c.1085A>G, p.Lys362Arg (NM_001441297.1); c.1049A>G, p.Lys350Arg (NM_001441298.1); and 1 more; short protein forms K349R, K350R, K362R, K371R, K375R, K376R, K387R, K388R.
Identifiers: ClinVar variation 5019927 (VCV005019927.2).